The following is an entry in ClinVar:

NM_016222.4(DDX41):c.250A>G (p.Asn84Asp)

Gene: DDX41 (DEAD-box helicase 41; minus strand). Cytogenetic location: 5q35.3.
Variant type: single nucleotide variant.
Coding change: c.250A>G on transcript NM_016222.4 (MANE Select); coding-DNA position 250, A replaced by G.
Protein change: p.Asn84Asp; replaces asparagine 84 with aspartic acid.
Molecular consequence: missense variant. On other transcripts: 5 prime UTR variant (2).
Genome position (GRCh38, 1-based): chr5:177,516,336, T>C on the plus strand (A>G on the coding strand, the complement: DDX41 is on the minus strand). VCF-style: chr5-177516336-T-C. GRCh37 (hg19) VCF-style: chr5-176943337-T-C.
Other names: c.-129A>G (NM_001321732.2, NM_001321830.2); short protein forms N84D.
Identifiers: ClinVar variation 4617166 (VCV004617166.1).

ClinVar aggregate classification (germline): Uncertain significance (1 of 4 stars; one submission).

Conditions:
Inborn genetic diseases. Identifiers: MedGen C0950123, MeSH D030342.

gnomAD v4.1: 1 of 1,614,178 alleles (0.000062%); highest among the groups gnomAD compares: Non-Finnish European, 0.000085%; no homozygotes.

Submission:

Ambry Genetics
Classification: Uncertain significance for Inborn genetic diseases. Last evaluated: 2025-10-25. Review status: criteria provided, single submitter. Criteria: Ambry Variant Classification Scheme 2023. Collection method: clinical testing. Allele origin: germline.
Comment: The p.N84D variant (also known as c.250A>G), located in coding exon 3 of the DDX41 gene, results from an A to G substitution at nucleotide position 250. The asparagine at codon 84 is replaced by aspartic acid, an amino acid with highly similar properties. This amino acid position is conserved. In addition, this alteration is predicted to be tolerated by in silico analysis. Based on the available evidence, the clinical significance of this variant remains unclear.